The following is an entry in ClinVar:

ClinVar aggregate classification (germline): Uncertain significance (1 of 4 stars; one submission).

Conditions:
Catecholaminergic polymorphic ventricular tachycardia 1. Also called: VENTRICULAR TACHYCARDIA, CATECHOLAMINERGIC POLYMORPHIC, 1, WITH OR WITHOUT ATRIAL DYSFUNCTION AND/OR DILATED CARDIOMYOPATHY; RYR2-Related Catecholaminergic Polymorphic Ventricular Tachycardia; VENTRICULAR TACHYCARDIA, STRESS-INDUCED POLYMORPHIC 1. Identifiers: Orphanet 3286, MedGen C1631597, MONDO:0011484, OMIM 604772.

Submission:

Labcorp Genetics (formerly Invitae), Labcorp
Classification: Uncertain significance for Catecholaminergic polymorphic ventricular tachycardia 1. Last evaluated: 2023-07-20. Review status: criteria provided, single submitter. Criteria: Invitae Variant Classification Sherloc (09022015). Collection method: clinical testing. Allele origin: germline.
Comment: This sequence change replaces glutamic acid, which is acidic and polar, with glutamine, which is neutral and polar, at codon 3654 of the RYR2 protein (p.Glu3654Gln). In summary, the available evidence is currently insufficient to determine the role of this variant in disease. Therefore, it has been classified as a Variant of Uncertain Significance. Advanced modeling of protein sequence and biophysical properties (such as structural, functional, and spatial information, amino acid conservation, physicochemical variation, residue mobility, and thermodynamic stability) has been performed at Invitae for this missense variant, however the output from this modeling did not meet the statistical confidence thresholds required to predict the impact of this variant on RYR2 protein function. ClinVar contains an entry for this variant (Variation ID: 1986077). This variant has not been reported in the literature in individuals affected with RYR2-related conditions. This variant is not present in population databases (gnomAD no frequency).

NM_001035.3(RYR2):c.10960G>C (p.Glu3654Gln)

Gene: RYR2 (ryanodine receptor 2; plus strand). Cytogenetic location: 1q43.
Variant type: single nucleotide variant.
Coding change: c.10960G>C on transcript NM_001035.3 (MANE Select); coding-DNA position 10960, G replaced by C.
Protein change: p.Glu3654Gln; replaces glutamic acid 3654 with glutamine.
Molecular consequence: missense variant.
Genome position (GRCh38, 1-based): chr1:237,732,070, G>C. VCF-style: chr1-237732070-G-C. GRCh37 (hg19) VCF-style: chr1-237895370-G-C.
Other names: short protein forms E3654Q.
Identifiers: ClinVar variation 1986077 (VCV001986077.4), dbSNP rs2527069592, ClinGen allele CA345418948.